The following is an entry in ClinVar:

NM_000243.3(MEFV):c.431G>A (p.Cys144Tyr)

Gene: MEFV (MEFV innate immunity regulator, pyrin; minus strand). Cytogenetic location: 16p13.3.
Variant type: single nucleotide variant.
Coding change: c.431G>A on transcript NM_000243.3 (MANE Select); coding-DNA position 431, G replaced by A.
Protein change: p.Cys144Tyr; replaces cysteine 144 with tyrosine.
Molecular consequence: missense variant. On other transcripts: intron variant (1).
Genome position (GRCh38, 1-based): chr16:3,254,637, C>T on the plus strand (G>A on the coding strand, the complement: MEFV is on the minus strand). VCF-style: chr16-3254637-C-T. GRCh37 (hg19) VCF-style: chr16-3304637-C-T.
Other names: c.277+1674G>A (NM_001198536.2); short protein forms C144Y.
Identifiers: ClinVar variation 1189569 (VCV001189569.8), dbSNP rs773320625, ClinGen allele CA7860427.

ClinVar aggregate classification (germline): Conflicting classifications of pathogenicity. Review status: criteria provided, conflicting classifications (1 of 4 stars). 7 submissions from 5 submitters: Uncertain significance (4); Likely benign (2). 1 of the submissions does not count toward it. Last evaluated 2024-08-22.

Conditions:
Familial Mediterranean fever, autosomal dominant. Also called: Dominant Familial Mediterranean Fever; FMF, AUTOSOMAL DOMINANT. Identifiers: Orphanet 342, MedGen C1851347, MONDO:0007601, OMIM 134610.
Familial Mediterranean fever (FMF). Also called: POLYSEROSITIS, FAMILIAL PAROXYSMAL; POLYSEROSITIS, RECURRENT; Periodic peritonitis; Benign paroxysmal peritonitis. Identifiers: Orphanet 342, MedGen C0031069, MONDO:0018088, OMIM 249100. Disease mechanism: gain of function.
Acute febrile neutrophilic dermatosis (AFND). Also called: Sweet Syndrome; Gomm Button disease. Identifiers: Orphanet 3243, MedGen C0085077, MONDO:0011959, OMIM 608068.

Allele frequency attached by ClinVar (database versions not stated): TOPMed 0.00001; gnomAD exomes 0.00002 and 0.00001; ExAC 0.00001.
gnomAD v4.1: 12 of 1,607,072 alleles (0.00075%); highest among the groups gnomAD compares: Admixed American, 0.0067%; 1 homozygote.

Submissions (7):

Clinical Genomics Laboratory, Washington University in St. Louis
Classification: Uncertain significance for Familial Mediterranean fever. Last evaluated: 2024-08-22. Review status: criteria provided, single submitter. Criteria: ACMG Guidelines, 2015. Collection method: clinical testing. Allele origin: germline.
Comment: An MEFV c.431G>A (p.Cys144Tyr) variant was identified. This variant, to our knowledge, has not been reported in the medical literature. This variant is only observed on 5/236,892 alleles in the general population (gnomAD v2.1.1), indicating it is not a common variant. This variant has been reported in the ClinVar database as a variant of uncertain significance by four submitters (ClinVar Variation ID: 1189569). Computational predictors suggest that the variant does not impact MEFV function. Due to limited information, and based on ACMG/AMP guidelines for variant interpretation (Richards S et al., PMID: 25741868), the clinical significance of the MEFV c.431G>A (p.Cys144Tyr) variant is uncertain at this time.

Genome-Nilou Lab
Classification: Uncertain significance for Familial Mediterranean fever. Last evaluated: 2023-02-08. Review status: criteria provided, single submitter. Criteria: ACMG Guidelines, 2015. Collection method: clinical testing. Allele origin: germline.

Genome-Nilou Lab
Classification: Likely benign for Familial Mediterranean fever, autosomal dominant. Last evaluated: 2023-02-08. Review status: criteria provided, single submitter. Criteria: ACMG Guidelines, 2015. Collection method: clinical testing. Allele origin: germline.

Genome-Nilou Lab
Classification: Likely benign for Acute febrile neutrophilic dermatosis. Last evaluated: 2023-02-08. Review status: criteria provided, single submitter. Criteria: ACMG Guidelines, 2015. Collection method: clinical testing. Allele origin: germline.

Labcorp Genetics (formerly Invitae), Labcorp
Classification: Uncertain significance for Familial Mediterranean fever. Last evaluated: 2022-08-15. Review status: criteria provided, single submitter. Criteria: Invitae Variant Classification Sherloc (09022015). Collection method: clinical testing. Allele origin: germline.
Comment: This sequence change replaces cysteine, which is neutral and slightly polar, with tyrosine, which is neutral and polar, at codon 144 of the MEFV protein (p.Cys144Tyr). This variant is present in population databases (rs773320625, gnomAD 0.003%). This variant has not been reported in the literature in individuals affected with MEFV-related conditions. ClinVar contains an entry for this variant (Variation ID: 1189569). Algorithms developed to predict the effect of missense changes on protein structure and function output the following: SIFT: "Tolerated"; PolyPhen-2: "Benign"; Align-GVGD: "Class C0". The tyrosine amino acid residue is found in multiple mammalian species, which suggests that this missense change does not adversely affect protein function. In summary, the available evidence is currently insufficient to determine the role of this variant in disease. Therefore, it has been classified as a Variant of Uncertain Significance.

GeneDx
Classification: Uncertain significance. Last evaluated: 2019-11-26. Review status: criteria provided, single submitter. Criteria: GeneDx Variant Classification Process June 2021. Collection method: clinical testing. Allele origin: germline. Affected: yes.
Comment: In silico analysis, which includes protein predictors and evolutionary conservation, supports that this variant does not alter protein structure/function; Has not been previously published as pathogenic or benign to our knowledge

Natera, Inc.
Classification: Uncertain significance for Familial Mediterranean fever. Last evaluated: 2021-03-30. Review status: no assertion criteria provided. Collection method: clinical testing. Allele origin: germline. Not counted in ClinVar's aggregate classification.